The following is an entry in ClinVar:

NM_000342.4(SLC4A1):c.1250T>C (p.Leu417Pro)

Gene: SLC4A1 (solute carrier family 4 member 1 (Diego blood group); minus strand). Cytogenetic location: 17q21.31.
Variant type: single nucleotide variant.
Coding change: c.1250T>C on transcript NM_000342.4 (MANE Select); coding-DNA position 1250, T replaced by C.
Protein change: p.Leu417Pro; replaces leucine 417 with proline.
Molecular consequence: missense variant.
Genome position (GRCh38, 1-based): chr17:44,258,018, A>G on the plus strand (T>C on the coding strand, the complement: SLC4A1 is on the minus strand). VCF-style: chr17-44258018-A-G. GRCh37 (hg19) VCF-style: chr17-42335386-A-G.
Other names: short protein forms L417P.
Identifiers: ClinVar variation 993785 (VCV000993785.13), dbSNP rs2047405727, ClinGen allele CA399788070.
Genomic context (GRCh38, chr17:44,258,018, plus strand): 5'-AGTTAGGGAGACAGGTATTGGCACTGACCCAGGAGGCCGCCGAAGGTGATGGCGGGTGAC[A>G]GTGCAGCAAAGTAGATGAAGATGACGGCAGCCAGGACCTGGGGGCTGAATGCATCTGTGA-3'
Protein context (NP_000333.1, residues 407-427): AAVIFIYFAA[Leu417Pro]SPAITFGGLL

ClinVar aggregate classification (germline): Uncertain significance. Review status: criteria provided, multiple submitters, no conflicts (2 of 4 stars). 2 submissions from 2 submitters: Uncertain significance (2). Last evaluated 2022-08-27.

Submissions (2):

Labcorp Genetics (formerly Invitae), Labcorp
Classification: Uncertain significance. Last evaluated: 2022-08-27. Review status: criteria provided, single submitter. Criteria: Invitae Variant Classification Sherloc (09022015). Collection method: clinical testing. Allele origin: germline.
Comment: In summary, the available evidence is currently insufficient to determine the role of this variant in disease. Therefore, it has been classified as a Variant of Uncertain Significance. Algorithms developed to predict the effect of missense changes on protein structure and function are either unavailable or do not agree on the potential impact of this missense change (SIFT: "Deleterious"; PolyPhen-2: "Probably Damaging"; Align-GVGD: "Class C0"). ClinVar contains an entry for this variant (Variation ID: 993785). This missense change has been observed in individual(s) with clinical features of SLC4A1-related conditions (PMID: 27427187). This variant is not present in population databases (gnomAD no frequency). This sequence change replaces leucine, which is neutral and non-polar, with proline, which is neutral and non-polar, at codon 417 of the SLC4A1 protein (p.Leu417Pro).

ARUP Laboratories, Molecular Genetics and Genomics, ARUP Laboratories
Classification: Uncertain significance. Last evaluated: 2019-10-15. Review status: criteria provided, single submitter. Criteria: ARUP Molecular Germline Variant Investigation Process. Collection method: clinical testing. Allele origin: germline.

Literature cited by the submitters: PubMed 27427187 (cited by Labcorp Genetics (formerly Invitae), Labcorp).